The following is an entry in ClinVar:

NM_001903.5(CTNNA1):c.2317A>G (p.Lys773Glu)

Gene: CTNNA1 (catenin alpha 1; plus strand). Cytogenetic location: 5q31.2.
Variant type: single nucleotide variant.
Coding change: c.2317A>G on transcript NM_001903.5 (MANE Select); coding-DNA position 2317, A replaced by G.
Protein change: p.Lys773Glu; replaces lysine 773 with glutamic acid.
Molecular consequence: missense variant. On other transcripts: intron variant (1).
Genome position (GRCh38, 1-based): chr5:138,932,596, A>G. VCF-style: chr5-138932596-A-G. GRCh37 (hg19) VCF-style: chr5-138268285-A-G.
Other names: c.2317A>G (NM_001903.2); c.2317A>G, p.Lys773Glu (NM_001290307.3, NM_001323982.2, NM_001323983.1 and 2 more transcripts); c.2008A>G, p.Lys670Glu (NM_001290309.3); c.1948A>G, p.Lys650Glu (NM_001290310.3); c.1207A>G, p.Lys403Glu (NM_001290312.1, NM_001323987.1, NM_001323988.1 and 16 more transcripts); c.2224A>G, p.Lys742Glu (NM_001323986.2); c.868A>G, p.Lys290Glu (NM_001324006.1, NM_001324007.1, NM_001324008.1 and 2 more transcripts); c.1114A>G, p.Lys372Glu (NM_001324011.1); and 2 more; short protein forms K290E, K322E, K372E, K773E, K403E, K670E, K650E, K742E.
Identifiers: ClinVar variation 963001 (VCV000963001.10), dbSNP rs1765608829, ClinGen allele CA361134309.
Genomic context (GRCh38, chr5:138,932,596, plus strand): 5'-GCCAGGCCAGGATACTTGGTGTTAAGCCTGCTCTCTCTTCAGTGCCCCGACTCGGCTTGC[A>G]AGCAGGACCTGCTGGCCTACCTGCAACGCATCGCCCTCTACTGCCACCAGCTGAACATCT-3'
Protein context (NP_001894.2, residues 763-783): IADHCPDSAC[Lys773Glu]QDLLAYLQRI

ClinVar aggregate classification (germline): Uncertain significance. Review status: criteria provided, multiple submitters, no conflicts (2 of 4 stars). 2 submissions from 2 submitters: Uncertain significance (2). Last evaluated 2025-10-01.

Conditions:
Hereditary cancer-predisposing syndrome. Also called: Tumor predisposition; Hereditary neoplastic syndrome; Hereditary Cancer Syndrome; Neoplastic Syndromes, Hereditary. Identifiers: Orphanet 140162, MedGen C0027672, MeSH D009386, MONDO:0015356.

Submissions (2):

Ambry Genetics
Classification: Uncertain significance for Hereditary cancer-predisposing syndrome. Last evaluated: 2025-10-01. Review status: criteria provided, single submitter. Criteria: Ambry Variant Classification Scheme 2023. Collection method: clinical testing. Allele origin: germline.
Comment: The p.K773E variant (also known as c.2317A>G), located in coding exon 16 of the CTNNA1 gene, results from an A to G substitution at nucleotide position 2317. The lysine at codon 773 is replaced by glutamic acid, an amino acid with similar properties. This amino acid position is conserved. In addition, this alteration is predicted to be deleterious by in silico analysis. Based on the available evidence, the clinical significance of this variant remains unclear.

Labcorp Genetics (formerly Invitae), Labcorp
Classification: Uncertain significance. Last evaluated: 2019-10-29. Review status: criteria provided, single submitter. Criteria: Invitae Variant Classification Sherloc (09022015). Collection method: clinical testing. Allele origin: germline.
Comment: In summary, the available evidence is currently insufficient to determine the role of this variant in disease. Therefore, it has been classified as a Variant of Uncertain Significance. Algorithms developed to predict the effect of missense changes on protein structure and function are either unavailable or do not agree on the potential impact of this missense change (SIFT: "Deleterious"; PolyPhen-2: "Possibly Damaging"; Align-GVGD: "Class C0"). This variant has not been reported in the literature in individuals with CTNNA1-related conditions. This variant is not present in population databases (ExAC no frequency). This sequence change replaces lysine with glutamic acid at codon 773 of the CTNNA1 protein (p.Lys773Glu). The lysine residue is highly conserved and there is a small physicochemical difference between lysine and glutamic acid.